The following is an entry in ClinVar:

NM_205850.3(SLC24A5):c.344C>T (p.Ala115Val)

Gene: SLC24A5 (solute carrier family 24 member 5; plus strand). Cytogenetic location: 15q21.1.
Variant type: single nucleotide variant.
Coding change: c.344C>T on transcript NM_205850.3 (MANE Select); coding-DNA position 344, C replaced by T.
Protein change: p.Ala115Val; replaces alanine 115 with valine.
Molecular consequence: missense variant.
Genome position (GRCh38, 1-based): chr15:48,134,300, C>T. VCF-style: chr15-48134300-C-T. GRCh37 (hg19) VCF-style: chr15-48426497-C-T.
Other names: short protein forms A115V.
Identifiers: ClinVar variation 1938012 (VCV001938012.5), dbSNP rs1359277013, ClinGen allele CA392449759.

ClinVar aggregate classification (germline): Uncertain significance (1 of 4 stars; one submission).

Submission:

Labcorp Genetics (formerly Invitae), Labcorp
Classification: Uncertain significance. Last evaluated: 2024-02-24. Review status: criteria provided, single submitter. Criteria: Invitae Variant Classification Sherloc (09022015). Collection method: clinical testing. Allele origin: germline.
Comment: This sequence change replaces alanine, which is neutral and non-polar, with valine, which is neutral and non-polar, at codon 115 of the SLC24A5 protein (p.Ala115Val). This variant is not present in population databases (gnomAD no frequency). This variant has not been reported in the literature in individuals affected with SLC24A5-related conditions. ClinVar contains an entry for this variant (Variation ID: 1938012). Advanced modeling of protein sequence and biophysical properties (such as structural, functional, and spatial information, amino acid conservation, physicochemical variation, residue mobility, and thermodynamic stability) performed at Invitae indicates that this missense variant is expected to disrupt SLC24A5 protein function with a positive predictive value of 80%. Algorithms developed to predict the effect of sequence changes on RNA splicing suggest that this variant may disrupt the consensus splice site. This variant disrupts the p.Ala115 amino acid residue in SLC24A5. Other variant(s) that disrupt this residue have been determined to be pathogenic (PMID: 23985994, 32274888). This suggests that this residue is clinically significant, and that variants that disrupt this residue are likely to be disease-causing. In summary, the available evidence is currently insufficient to determine the role of this variant in disease. Therefore, it has been classified as a Variant of Uncertain Significance.

Literature cited by the submitters: PubMed 23985994; PubMed 32274888.